The following is an entry in ClinVar:

ClinVar aggregate classification (germline): Pathogenic/Likely pathogenic. Review status: criteria provided, multiple submitters, no conflicts (2 of 4 stars). 4 submissions from 4 submitters: Pathogenic (1); Likely pathogenic (3). Last evaluated 2025-11-13.

Conditions:
SLC26A2-related skeletal dysplasia. Identifiers: MedGen CN379209, MONDO:0100592.
Achondrogenesis, type IB (ACG1B). Also called: Achondrogenesis Type 1B. Identifiers: Orphanet 932, Orphanet 93298, MedGen C0265274, MONDO:0010966, OMIM 600972.
Atelosteogenesis type II (AO2). Also called: Neonatal osseous dysplasia 1; NEONATAL OSSEOUS DYSPLASIA I; SLC26A2-Related Atelosteogenesis. Identifiers: Orphanet 56304, MedGen C1850554, MONDO:0009727, OMIM 256050.
Diastrophic dysplasia (DTD). Also called: Diastrophic dwarfism. Identifiers: Orphanet 628, MedGen C0220726, MONDO:0009107, OMIM 222600.
Multiple epiphyseal dysplasia type 4 (EDM4). Also called: Multiple Epiphyseal Dysplasia, Recessive; MULTIPLE EPIPHYSEAL DYSPLASIA WITH BILAYERED PATELLAE; MULTIPLE EPIPHYSEAL DYSPLASIA WITH CLUBFOOT; MULTIPLE EPIPHYSEAL DYSPLASIA, AUTOSOMAL RECESSIVE; SLC26A2-Related Multiple Epiphyseal Dysplasia. Identifiers: Orphanet 93307, MedGen C1847593, MONDO:0009189, OMIM 226900.

Allele frequency attached by ClinVar (database versions not stated): gnomAD exomes below 0.00001.

Submissions (4):

Labcorp Genetics (formerly Invitae), Labcorp
Classification: Pathogenic for Atelosteogenesis type II; Multiple epiphyseal dysplasia type 4; Achondrogenesis, type IB; Diastrophic dysplasia. Last evaluated: 2025-11-13. Review status: criteria provided, single submitter. Criteria: Invitae Variant Classification Sherloc (09022015). Collection method: clinical testing. Allele origin: germline.
Comment: This sequence change creates a premature translational stop signal (p.Thr627Leufs*23) in the SLC26A2 gene. While this is not anticipated to result in nonsense mediated decay, it is expected to disrupt the last 113 amino acid(s) of the SLC26A2 protein. This variant is not present in population databases (gnomAD no frequency). This variant has not been reported in the literature in individuals affected with SLC26A2-related conditions. ClinVar contains an entry for this variant (Variation ID: 951956). This variant disrupts a region of the SLC26A2 protein in which other variant(s) (p.Ala715Val) have been determined to be pathogenic (PMID: 11448940, 15294877, 21077204). This suggests that this is a clinically significant region of the protein, and that variants that disrupt it are likely to be disease-causing. For these reasons, this variant has been classified as Pathogenic.

Myriad Genetics, Inc.
Classification: Likely pathogenic for SLC26A2-related skeletal dysplasia. Last evaluated: 2025-10-13. Review status: criteria provided, single submitter. Criteria: Myriad Autosomal Dominant, Autosomal Recessive and X-Linked Classification Criteria (2023). Collection method: clinical testing. Allele origin: unknown.
Comment: NM_000112.3(SLC26A2):c.1878delG(T627Lfs*23) is a frameshift variant classified as likely pathogenic in the context of SLC26A2-related disorders. T627Lfs*23 has been observed in a case with relevant disease (PMID: Silveira_2016_(Dissertation)). Relevant functional assessments of this variant are not available in the literature. Internal structural analysis of the variant is supportive of pathogenicity. T627Lfs*23 has not been observed in referenced population frequency databases. In summary, NM_000112.3(SLC26A2):c.1878delG(T627Lfs*23) is a frameshift variant that has internal structural support for pathogenicity and has been observed more frequently in cases with the relevant disease than in healthy populations. Please note: this variant was assessed in the context of healthy population screening.

Natera, Inc.
Classification: Likely pathogenic for Achondrogenesis type IB. Last evaluated: 2025-06-20. Review status: criteria provided, single submitter. Criteria: Natera Variant Classification Schema (03/2026). Collection method: clinical testing. Allele origin: germline.
Comment: The c.1878del variant in SLC26A2 is a frameshift variant predicted to shift the reading frame beginning at codon 627 and leads to a stop codon 23 codons downstream. This variant is expected to result in nonsense mediated decay, truncation, or a dysfunctional protein product. This variant is rare in the general population with a frequency below the threshold expected for the associated phenotype(s). This variant has been observed in one or more individuals affected with the associated recessive disease, as either homozygous or compound heterozygous with a second variant (PMID: 36660027). Given the available evidence, this variant is classified as Likely Pathogenic.

Baylor Genetics
Classification: Likely pathogenic for Achondrogenesis, type IB. Last evaluated: 2023-12-07. Review status: criteria provided, single submitter. Criteria: ACMG Guidelines, 2015. Collection method: clinical testing. Allele origin: unknown.

Literature cited by the submitters: PubMed 11448940 (cited by Labcorp Genetics (formerly Invitae), Labcorp); PubMed 15294877 (cited by Labcorp Genetics (formerly Invitae), Labcorp); PubMed 21077204 (cited by Labcorp Genetics (formerly Invitae), Labcorp); PubMed 36660027 (cited by Natera, Inc.).

NM_000112.4(SLC26A2):c.1878del (p.Thr627fs)

Gene: SLC26A2 (solute carrier family 26 member 2; plus strand). Cytogenetic location: 5q32.
Variant type: Deletion.
Coding change: c.1878del on transcript NM_000112.4 (MANE Select); coding-DNA position 1878, one base deleted (G; older notation c.1878delG).
Protein change: p.Thr627fs; shifts the reading frame from threonine 627.
Molecular consequence: frameshift variant.
Genome position (GRCh38, 1-based): chr5:149,981,471, G deleted. VCF-style (leftmost placement, unchanged base first): chr5-149981470-TG-T. GRCh37 (hg19) VCF-style: chr5-149361033-TG-T.
Other names: short protein forms T627fs.
Identifiers: ClinVar variation 951956 (VCV000951956.14), dbSNP rs1755100270, ClinGen allele CA1139659145.